The following is an entry in ClinVar:

ClinVar aggregate classification (germline): Uncertain significance (1 of 4 stars; one submission).

gnomAD v4.1: 1 of 1,613,982 alleles (0.000062%); highest among the groups gnomAD compares: Non-Finnish European, 0.000085%; no homozygotes.

Submission:

GeneDx
Classification: Uncertain significance. Last evaluated: 2021-04-06. Review status: criteria provided, single submitter. Criteria: GeneDx Variant Classification Process June 2021. Collection method: clinical testing. Allele origin: germline. Affected: yes.
Comment: Not observed in large population cohorts (Lek et al., 2016); In silico analysis supports that this missense variant does not alter protein structure/function; Has not been previously published as pathogenic or benign to our knowledge

NM_001005273.3(CHD3):c.4054G>A (p.Ala1352Thr)

Gene: CHD3 (chromodomain helicase DNA binding protein 3; plus strand). Cytogenetic location: 17p13.1.
Variant type: single nucleotide variant.
Coding change: c.4054G>A on transcript NM_001005273.3 (MANE Select); coding-DNA position 4054, G replaced by A.
Protein change: p.Ala1352Thr; replaces alanine 1352 with threonine.
Molecular consequence: missense variant.
Genome position (GRCh38, 1-based): chr17:7,904,601, G>A. VCF-style: chr17-7904601-G-A. GRCh37 (hg19) VCF-style: chr17-7807919-G-A.
Other names: c.4231G>A, p.Ala1411Thr (NM_001005271.3); c.4054G>A, p.Ala1352Thr (NM_005852.4); short protein forms A1352T, A1411T.
Identifiers: ClinVar variation 1302739 (VCV001302739.2), dbSNP rs2151615882, ClinGen allele CA397944605.